The following continues an entry in ClinVar:

NM_000059.4(BRCA2):c.956A>C (p.Asn319Thr)

Gene: BRCA2. ClinVar aggregate classification (germline): Conflicting classifications of pathogenicity. Uncertain significance (1); Benign (6); Likely benign (11).

Submissions 23 to 24 of 24:

Foulkes Cancer Genetics LDI, Lady Davis Institute for Medical Research
Classification: Uncertain significance for Breast and/or ovarian cancer. Last evaluated: 2001-12-28. Review status: no assertion criteria provided. Collection method: clinical testing. Allele origin: germline. Study: The Canadian Open Genetics Repository (COGR). Not counted in ClinVar's aggregate classification.

Department of Pathology and Laboratory Medicine, Sinai Health System
Classification: Likely benign for Malignant tumor of breast. Review status: no assertion criteria provided. Collection method: clinical testing. Allele origin: unknown. Affected: yes. Study: The Canadian Open Genetics Repository (COGR). Not counted in ClinVar's aggregate classification.
Comment: The BRCA2 p.Asn319Thr variant was identified in 1 of 200 proband chromosomes (frequency: 0.01) from individuals or families with breast cancer (Peixoto 2006). The variant was also identified in dbSNP (ID: rs55939572) as "With other allele ", ClinVar (classified as benign by GeneDx, Ambry Genetics, Invitae, SCRP; as likely benign by Counsyl, Color Genomics, Genetic Services Laboratory, University of Chicago; as uncertain significance by BIC), COGR (3x a Likely Benign/Benign), LOVD 3.0 (6x), UMD-LSDB (9x as likely neutral), BIC Database (10x with unknown significance), and in ARUP Laboratories (not pathogenic or of no clinical significance). The variant was not identified in Cosmic, MutDB, and Zhejiang University databases. The variant was identified in control databases in 31 of 225112 chromosomes at a frequency of 0.0001 (Genome Aggregation Database Feb 27, 2017). It was observed in the following populations: â€šÃ„ÃºOtherâ€šÃ„Ã¹ in 4 of 4876 chromosomes (freq: 0.001), Latino in 21 of 28194 chromosomes (freq: 0.001), European in 6 of 105630 chromosomes (freq: 0.0001); but not in the African, Ashkenazi Jewish, East Asian, Finnish, and South Asian populations. Functional assay using multifactorial likelihood ratio model showed the variant displayed combined odds in favor of neutrality of 50:1, displayed substantial increases in homology-directed recombination repair activity and maintained the background level of centriole and centrosome amplification found in wild-type cells (Farrugia 2008). The p.Asn319 residue is not conserved in mammals and four out of five computational analyses (PolyPhen-2, SIFT, AlignGVGD, BLOSUM, MutationTaster) do not suggest a high likelihood of impact to the protein; however, this information is not predictive enough to rule out pathogenicity. The variant occurs outside of the splicing consensus sequence and in silico or computational prediction software programs (SpliceSiteFinder, MaxEntScan, NNSPLICE, GeneSplicer, HumanSpliceFinder) do not predict a difference in splicing. In summary, based on the above information the clinical significance of this variant cannot be determined with certainty at this time although we would lean towards a more benign role for this variant. This variant is classified as likely benign.

Literature cited by the submitters: PubMed 33471991 (cited by Quest Diagnostics Nichols Institute San Juan Capistrano); PubMed 21990134 (cited by Quest Diagnostics Nichols Institute San Juan Capistrano and Counsyl); PubMed 18451181 (cited by 3 submitters); PubMed 16826315 (cited by Quest Diagnostics Nichols Institute San Juan Capistrano and Counsyl); PubMed 21990165 (cited by 3 submitters); PubMed 20054658 (cited by Quest Diagnostics Nichols Institute San Juan Capistrano and Counsyl); PubMed 28651617 (cited by Quest Diagnostics Nichols Institute San Juan Capistrano); PubMed 19320659 (cited by Quest Diagnostics Nichols Institute San Juan Capistrano).